The following is an entry in ClinVar:

ClinVar aggregate classification (germline): Uncertain significance. Review status: criteria provided, multiple submitters, no conflicts (2 of 4 stars). 2 submissions from 2 submitters: Uncertain significance (2). Last evaluated 2024-05-28.

Conditions:
Inborn genetic diseases. Identifiers: MedGen C0950123, MeSH D030342.

Allele frequency attached by ClinVar (database versions not stated): gnomAD exomes 0.00001.
gnomAD v4.1: 3 of 1,613,950 alleles (0.00019%); highest among the groups gnomAD compares: East Asian, 0.0067%; no homozygotes.

Submissions (2):

Ambry Genetics
Classification: Uncertain significance for Inborn genetic diseases. Last evaluated: 2024-05-28. Review status: criteria provided, single submitter. Criteria: Ambry Variant Classification Scheme 2023. Collection method: clinical testing. Allele origin: germline.

Labcorp Genetics (formerly Invitae), Labcorp
Classification: Uncertain significance. Last evaluated: 2022-11-22. Review status: criteria provided, single submitter. Criteria: Invitae Variant Classification Sherloc (09022015). Collection method: clinical testing. Allele origin: germline.
Comment: In summary, the available evidence is currently insufficient to determine the role of this variant in disease. Therefore, it has been classified as a Variant of Uncertain Significance. Algorithms developed to predict the effect of missense changes on protein structure and function (SIFT, PolyPhen-2, Align-GVGD) all suggest that this variant is likely to be tolerated. This variant has not been reported in the literature in individuals affected with AP3B2-related conditions. This variant is not present in population databases (gnomAD no frequency). This sequence change replaces alanine, which is neutral and non-polar, with threonine, which is neutral and polar, at codon 71 of the AP3B2 protein (p.Ala71Thr).

NM_001278512.2(AP3B2):c.211G>A (p.Ala71Thr)

Genes: AP3B2 (adaptor related protein complex 3 subunit beta 2; minus strand), CPEB1-AS1 (CPEB1 antisense RNA 1; plus strand). Cytogenetic location: 15q25.2.
Variant type: single nucleotide variant.
Coding change: c.211G>A on transcript NM_001278512.2 (MANE Select); coding-DNA position 211, G replaced by A.
Protein change: p.Ala71Thr; replaces alanine 71 with threonine.
Molecular consequence: missense variant.
Genome position (GRCh38, 1-based): chr15:82,689,211, C>T on the plus strand (G>A on the coding strand, the complement: AP3B2 is on the minus strand). VCF-style: chr15-82689211-C-T. GRCh37 (hg19) VCF-style: chr15-83357963-C-T.
Other names: c.211G>A (NM_004644.3); c.211G>A, p.Ala71Thr (NM_001278511.2, NM_001348440.2, NM_004644.5); short protein forms A71T.
Identifiers: ClinVar variation 1716406 (VCV001716406.6), dbSNP rs2048481877, ClinGen allele CA393301811.